The following is an entry in ClinVar:

ClinVar aggregate classification (germline): Uncertain significance. Review status: criteria provided, multiple submitters, no conflicts (2 of 4 stars). 2 submissions from 2 submitters: Uncertain significance (2). Last evaluated 2022-07-20.

Conditions:
Inborn genetic diseases. Identifiers: MedGen C0950123, MeSH D030342.
Charcot-Marie-Tooth disease type 4. Also called: Charcot-Marie-Tooth disease, type IV; Charcot-Marie-Tooth, Type 4. Identifiers: Orphanet 64749, MedGen C4082197, MONDO:0018995.

Allele frequency attached by ClinVar (database versions not stated): TOPMed below 0.00001; ExAC 0.00001; gnomAD 0.00001.
gnomAD v4.1: 3 of 1,209,388 alleles (0.00025%); highest among the groups gnomAD compares: Admixed American, 0.0017%; no homozygotes.

Submissions (2):

Labcorp Genetics (formerly Invitae), Labcorp
Classification: Uncertain significance for Charcot-Marie-Tooth disease type 4. Last evaluated: 2022-07-20. Review status: criteria provided, single submitter. Criteria: Invitae Variant Classification Sherloc (09022015). Collection method: clinical testing. Allele origin: germline.
Comment: In summary, the available evidence is currently insufficient to determine the role of this variant in disease. Therefore, it has been classified as a Variant of Uncertain Significance. Algorithms developed to predict the effect of missense changes on protein structure and function are either unavailable or do not agree on the potential impact of this missense change (SIFT: "Deleterious"; PolyPhen-2: "Probably Damaging"; Align-GVGD: "Class C0"). This variant has not been reported in the literature in individuals affected with SBF2-related conditions. This variant is present in population databases (rs767661858, gnomAD 0.0009%). This sequence change replaces proline, which is neutral and non-polar, with leucine, which is neutral and non-polar, at codon 329 of the SBF2 protein (p.Pro329Leu).

Ambry Genetics
Classification: Uncertain significance for Inborn genetic diseases. Last evaluated: 2020-08-07. Review status: criteria provided, single submitter. Criteria: Ambry Variant Classification Scheme 2023. Collection method: clinical testing. Allele origin: germline.
Comment: The p.P329L variant (also known as c.986C>T), located in coding exon 10 of the SBF2 gene, results from a C to T substitution at nucleotide position 986. The proline at codon 329 is replaced by leucine, an amino acid with similar properties. This amino acid position is highly conserved in available vertebrate species. In addition, this alteration is predicted to be deleterious by in silico analysis. Since supporting evidence is limited at this time, the clinical significance of this alteration remains unclear.

NM_030962.4(SBF2):c.986C>T (p.Pro329Leu)

Gene: SBF2 (SET binding factor 2; minus strand). Cytogenetic location: 11p15.4.
Variant type: single nucleotide variant.
Coding change: c.986C>T on transcript NM_030962.4 (MANE Select); coding-DNA position 986, C replaced by T.
Protein change: p.Pro329Leu; replaces proline 329 with leucine.
Molecular consequence: missense variant.
Genome position (GRCh38, 1-based): chr11:9,993,988, G>A on the plus strand (C>T on the coding strand, the complement: SBF2 is on the minus strand). VCF-style: chr11-9993988-G-A. GRCh37 (hg19) VCF-style: chr11-10015535-G-A.
Other names: c.986C>T, p.Pro329Leu (NM_001386339.1, NM_001386342.1); short protein forms P329L.
Identifiers: ClinVar variation 1768445 (VCV001768445.6), dbSNP rs767661858, ClinGen allele CA5881943.